The following is an entry in ClinVar:

ClinVar aggregate classification (germline): Conflicting classifications of pathogenicity. Review status: criteria provided, conflicting classifications (1 of 4 stars). 2 submissions from 2 submitters: Uncertain significance (1); Likely benign (1). Last evaluated 2025-12-06.

Allele frequency attached by ClinVar (database versions not stated): gnomAD 0.00001; TOPMed 0.00001; ExAC 0.00002.
gnomAD v4.1: 26 of 1,610,706 alleles (0.0016%); highest among the groups gnomAD compares: Middle Eastern, 0.016%; no homozygotes.

Submissions (2):

GeneDx
Classification: Uncertain significance. Last evaluated: 2025-12-06. Review status: criteria provided, single submitter. Criteria: GeneDx Variant Classification Process June 2021. Collection method: clinical testing. Allele origin: germline. Affected: yes.
Comment: Not observed at significant frequency in large population cohorts (gnomAD); In silico analysis supports a deleterious effect on splicing; Has not been previously published as pathogenic or benign to our knowledge

Labcorp Genetics (formerly Invitae), Labcorp
Classification: Likely benign. Last evaluated: 2024-08-29. Review status: criteria provided, single submitter. Criteria: Invitae Variant Classification Sherloc (09022015). Collection method: clinical testing. Allele origin: germline.

NM_000441.2(SLC26A4):c.1344G>A (p.Ser448=)

Gene: SLC26A4 (solute carrier family 26 member 4; plus strand). Cytogenetic location: 7q22.3.
Variant type: single nucleotide variant.
Coding change: c.1344G>A on transcript NM_000441.2 (MANE Select); coding-DNA position 1344, G replaced by A.
Protein change: p.Ser448=; no amino-acid change (serine 448 retained).
Molecular consequence: synonymous variant.
Genome position (GRCh38, 1-based): chr7:107,694,623, G>A. VCF-style: chr7-107694623-G-A. GRCh37 (hg19) VCF-style: chr7-107335068-G-A.
Identifiers: ClinVar variation 1433728 (VCV001433728.10), dbSNP rs768687579, ClinGen allele CA4432796.